The following is an entry in ClinVar:

NM_006231.4(POLE):c.14_46delinsC (p.Ser5fs)

Genes: POLE (DNA polymerase epsilon, catalytic subunit; minus strand), LOC130009266 (ATAC-STARR-seq lymphoblastoid silent region 5123; plus strand). Cytogenetic location: 12q24.33.
Variant type: Indel.
Coding change: c.14_46delinsC on transcript NM_006231.4 (MANE Select); coding-DNA positions 14 to 46, the reference bases replaced by C.
Protein change: p.Ser5fs; shifts the reading frame from serine 5.
Molecular consequence: frameshift variant.
Genome position (GRCh38, 1-based): chr12:132,687,270-132,687,302, 33 bases replaced. GRCh37 (hg19): chr12:133,263,856-133,263,888.
Other names: short protein forms S5fs.
Identifiers: ClinVar variation 4141115 (VCV004141115.1).

ClinVar aggregate classification (germline): Uncertain significance (1 of 4 stars; one submission).

Conditions:
Hereditary cancer-predisposing syndrome. Also called: Hereditary neoplastic syndrome; Neoplastic Syndromes, Hereditary; Tumor predisposition; Hereditary Cancer Syndrome. Identifiers: Orphanet 140162, MedGen C0027672, MeSH D009386, MONDO:0015356.

Submission:

Ambry Genetics
Classification: Uncertain significance for Hereditary cancer-predisposing syndrome. Last evaluated: 2025-07-03. Review status: criteria provided, single submitter. Criteria: Ambry Variant Classification Scheme 2023. Collection method: clinical testing. Allele origin: germline.
Comment: The c.14_46del33insC variant, located in coding exon 1 of the POLE gene, results from the deletion of 33 nucleotides and insertion of one nucleotide causing a translational frameshift with a predicted alternate stop codon (p.S5Tfs*8). This alteration is expected to result in loss of function by premature protein truncation or nonsense-mediated mRNA decay. As such, this alteration is interpreted as a disease-causing mutation. Although biallelic loss of function of POLE has been associated with autosomal recessive POLE deficiency, haploinsufficiency of POLE has not been established as a mechanism of disease for POLE-related polymerase proofreading-associated polyposis (PPAP) and POLE-related CMMRD-like syndrome. Based on the supporting evidence, this variant is expected to be causative of POLE deficiency when present along with a second pathogenic variant on the other allele; however, its clinical significance for PPAP and POLE-related CMMRD-like syndrome is unclear.